The following is an entry in ClinVar:

NM_006013.5(RPL10):c.164A>G (p.Asp55Gly)

Gene: RPL10 (ribosomal protein L10; plus strand). Cytogenetic location: Xq28.
Variant type: single nucleotide variant.
Coding change: c.164A>G on transcript NM_006013.5 (MANE Select); coding-DNA position 164, A replaced by G.
Protein change: p.Asp55Gly; replaces aspartic acid 55 with glycine.
Molecular consequence: missense variant. On other transcripts: intron variant (1).
Genome position (GRCh38, 1-based): chrX:154,399,568, A>G. VCF-style: chrX-154399568-A-G. GRCh37 (hg19) VCF-style: chrX-153627909-A-G.
Other names: c.164A>G, p.Asp55Gly (NM_001256577.2, NM_001303624.2, NM_001303625.1 and 1 more transcripts); c.82+172A>G (NM_001256580.2); short protein forms D55G.
Identifiers: ClinVar variation 4855570 (VCV004855570.1).

ClinVar aggregate classification (germline): Uncertain significance (1 of 4 stars; one submission).

Conditions:
Intellectual developmental disorder, X-linked, syndromic 35. Also called: Intellectual disability, X-linked, syndromic, 35. Identifiers: MedGen C4478383, MONDO:0030908, OMIM 300998.

Submission:

3billion
Classification: Uncertain significance for Intellectual developmental disorder, X-linked, syndromic 35. Last evaluated: 2025-12-18. Review status: criteria provided, single submitter. Criteria: ACMG Guidelines, 2015. Collection method: clinical testing. Allele origin: germline. Affected: yes.
Comment: The variant is not observed in the gnomAD v4.1.0 dataset. Predicted Consequence/Location: Missense variant. Missense changes are a common disease-causing mechanism. In silico tools predict the variant to alter splicing and produce an abnormal transcript [SpliceAI: 0.52 (>=0.2, moderate evidence for spliceogenicity)]. Therefore, this variant is classified as VUS according to the recommendation of ACMG/AMP guideline.